The following is an entry in ClinVar:

ClinVar aggregate classification (germline): Pathogenic (1 of 4 stars; one submission).

Conditions:
Drash syndrome (DDS). Also called: NEPHROPATHY, WILMS TUMOR, AND GENITAL ANOMALIES; WILMS TUMOR AND PSEUDO- OR TRUE HERMAPHRODITISM. Identifiers: Orphanet 220, MedGen C0950121, MONDO:0008682, OMIM 194080.
Frasier syndrome. Identifiers: Orphanet 347, MedGen C0950122, MeSH D052159, MONDO:0007635, OMIM 136680.
Wilms tumor 1 (WT1). Also called: Wilms tumor, somatic. Identifiers: Orphanet 654, MedGen CN033288, MONDO:0008679, OMIM 194070.
11p partial monosomy syndrome (WAGR). Also called: WAGR Spectrum Disorder; WAGR syndrome; CHROMOSOME 11p13 DELETION SYNDROME; WAGR Complex. Identifiers: Orphanet 893, MedGen C0206115, MONDO:0008681, OMIM 194072.

Submission:

Labcorp Genetics (formerly Invitae), Labcorp
Classification: Pathogenic for Wilms tumor 1; Drash syndrome; 11p partial monosomy syndrome; Frasier syndrome. Last evaluated: 2022-09-04. Review status: criteria provided, single submitter. Criteria: Invitae Variant Classification Sherloc (09022015). Collection method: clinical testing. Allele origin: germline.
Comment: This variant is not present in population databases (gnomAD no frequency). This sequence change creates a premature translational stop signal (p.Tyr354*) in the WT1 gene. It is expected to result in an absent or disrupted protein product. Loss-of-function variants in WT1 are known to be pathogenic (PMID: 15150775). This variant has not been reported in the literature in individuals affected with WT1-related conditions. For these reasons, this variant has been classified as Pathogenic.

Literature cited by the submitters: PubMed 15150775.

NM_024426.6(WT1):c.1077C>G (p.Tyr359Ter)

Gene: WT1 (WT1 transcription factor; minus strand). Cytogenetic location: 11p13.
Variant type: single nucleotide variant.
Coding change: c.1077C>G on transcript NM_024426.6 (MANE Select); coding-DNA position 1077, C replaced by G.
Protein change: p.Tyr359Ter; replaces tyrosine 359 with a stop codon.
Molecular consequence: nonsense. On other transcripts: 5 prime UTR variant (1), non-coding transcript variant (1).
Genome position (GRCh38, 1-based): chr11:32,399,984, G>C on the plus strand (C>G on the coding strand, the complement: WT1 is on the minus strand). VCF-style: chr11-32399984-G-C. GRCh37 (hg19) VCF-style: chr11-32421530-G-C.
Other names: c.1026C>G, p.Tyr342Ter (NM_000378.6, NM_001407045.1, NM_001407048.1 and 1 more transcripts); c.426C>G, p.Tyr142Ter (NM_001198551.2); c.375C>G, p.Tyr125Ter (NM_001198552.2); c.-112C>G (NM_001367854.1); c.1071C>G, p.Tyr357Ter (NM_001407044.1); c.1077C>G, p.Tyr359Ter (NM_001407046.1, NM_024424.5); c.954C>G, p.Tyr318Ter (NM_001407047.1); c.903C>G, p.Tyr301Ter (NM_001407050.1); and 2 more; short protein forms Y354*, Y357*, Y125*, Y142*, Y342*, Y105*, Y318*, Y337*.
Identifiers: ClinVar variation 2028955 (VCV002028955.4), dbSNP rs2132957763, ClinGen allele CA379960359.